The following is an entry in ClinVar:

NM_000503.6(EYA1):c.630T>C (p.Ser210=)

Gene: EYA1 (EYA transcriptional coactivator and phosphatase 1; minus strand). Cytogenetic location: 8q13.3.
Variant type: single nucleotide variant.
Coding change: c.630T>C on transcript NM_000503.6 (MANE Select); coding-DNA position 630, T replaced by C.
Protein change: p.Ser210=; no amino-acid change (serine 210 retained).
Molecular consequence: synonymous variant.
Genome position (GRCh38, 1-based): chr8:71,299,647, A>G on the plus strand (T>C on the coding strand, the complement: EYA1 is on the minus strand). VCF-style: chr8-71299647-A-G. GRCh37 (hg19) VCF-style: chr8-72211882-A-G.
Other names: c.612T>C, p.Ser204= (NM_001288574.2); c.264T>C, p.Ser88= (NM_001288575.2); c.717T>C, p.Ser239= (NM_001370333.1); c.630T>C, p.Ser210= (NM_001370334.1, NM_001370335.1, NM_172058.4); c.699T>C, p.Ser233= (NM_001370336.1); c.702T>C, p.Ser234= (NM_172059.5).
Identifiers: ClinVar variation 363658 (VCV000363658.55), dbSNP rs373102227, ClinGen allele CA4779714.

ClinVar aggregate classification (germline): Likely benign. Review status: criteria provided, multiple submitters, no conflicts (2 of 4 stars). 5 submissions from 4 submitters: Likely benign (5). Last evaluated 2025-11-11.

Conditions:
Melnick-Fraser syndrome (BOR). Also called: Branchio-oto-renal syndrome; Branchiootorenal syndrome; Branchiootorenal Syndrome (BORS). Identifiers: Orphanet 107, MedGen C0265234, MONDO:0007029.
Otofaciocervical syndrome 1 (OTFCS). Identifiers: MedGen C3714941, MONDO:0024532, OMIM 166780.
Branchiootic syndrome 1 (BOS1). Also called: BO SYNDROME 1; BRANCHIOOTIC DYSPLASIA. Identifiers: MedGen C1865143, MONDO:0011258, OMIM 602588.

Allele frequency attached by ClinVar (database versions not stated): gnomAD 0.00003; TOPMed 0.00003; gnomAD exomes 0.00004 and 0.00009; ESP Exome Variant Server 0.00008; ExAC 0.00009.
gnomAD v4.1: 63 of 1,569,204 alleles (0.004%); highest among the groups gnomAD compares: Middle Eastern, 0.28%; 2 homozygotes.

Submissions (5):

Labcorp Genetics (formerly Invitae), Labcorp
Classification: Likely benign for Melnick-Fraser syndrome. Last evaluated: 2025-11-11. Review status: criteria provided, single submitter. Criteria: Invitae Variant Classification Sherloc (09022015). Collection method: clinical testing. Allele origin: germline.

CeGaT Center for Human Genetics Tuebingen
Classification: Likely benign. Last evaluated: 2023-01-01. Review status: criteria provided, single submitter. Criteria: CeGaT Center For Human Genetics Tuebingen Variant Classification Criteria Version 2. Collection method: clinical testing. Allele origin: germline. Affected: yes. Observed: 2 variant alleles.
Comment: EYA1: BP4, BP7

GeneDx
Classification: Likely benign. Last evaluated: 2021-01-06. Review status: criteria provided, single submitter. Criteria: GeneDx Variant Classification Process June 2021. Collection method: clinical testing. Allele origin: germline. Affected: yes.

Illumina Laboratory Services, Illumina
Classification: Likely benign for Branchiootic syndrome. Last evaluated: 2018-01-13. Review status: criteria provided, single submitter. Criteria: ICSL Variant Classification Criteria 13 December 2019. Collection method: clinical testing. Allele origin: germline.
Comment: This variant was observed in the ICSL laboratory as part of a predisposition screen in an ostensibly healthy population. It had not been previously curated by ICSL or reported in the Human Gene Mutation Database (HGMD: prior to June 1st, 2018), and was therefore a candidate for classification through an automated scoring system. Utilizing variant allele frequency, disease prevalence and penetrance estimates, and inheritance mode, an automated score was calculated to assess if this variant is too frequent to cause the disease. Based on the score and internal cut-off values, a variant classified as likely benign is not then subjected to further curation. The score for this variant resulted in a classification of likely benign for this disease.

Illumina Laboratory Services, Illumina
Classification: Likely benign for Otofaciocervical syndrome 1. Last evaluated: 2018-01-13. Review status: criteria provided, single submitter. Criteria: ICSL Variant Classification Criteria 13 December 2019. Collection method: clinical testing. Allele origin: germline.
Comment: the same text as in the submission from Illumina Laboratory Services, Illumina above.